The following is an entry in ClinVar:

ClinVar aggregate classification (germline): Uncertain significance (1 of 4 stars; one submission).

gnomAD v4.1: 3 of 1,614,128 alleles (0.00019%); highest among the groups gnomAD compares: Non-Finnish European, 0.00025%; no homozygotes.

Submission:

Ambry Genetics
Classification: Uncertain significance. Last evaluated: 2024-05-12. Review status: criteria provided, single submitter. Criteria: Ambry Variant Classification Scheme 2023. Collection method: clinical testing. Allele origin: germline.
Comment: The p.V291I variant (also known as c.871G>A), located in coding exon 6 of the PKP4 gene, results from a G to A substitution at nucleotide position 871. The valine at codon 291 is replaced by isoleucine, an amino acid with highly similar properties. This amino acid position is conserved. In addition, this alteration is predicted to be tolerated by in silico analysis. Based on the available evidence, the clinical significance of this variant remains unclear.

NM_003628.6(PKP4):c.871G>A (p.Val291Ile)

Gene: PKP4 (plakophilin 4; plus strand). Cytogenetic location: 2q24.1.
Variant type: single nucleotide variant.
Coding change: c.871G>A on transcript NM_003628.6 (MANE Select); coding-DNA position 871, G replaced by A.
Protein change: p.Val291Ile; replaces valine 291 with isoleucine.
Molecular consequence: missense variant. On other transcripts: 5 prime UTR variant (1).
Genome position (GRCh38, 1-based): chr2:158,625,145, G>A. VCF-style: chr2-158625145-G-A. GRCh37 (hg19) VCF-style: chr2-159481657-G-A.
Other names: c.871G>A, p.Val291Ile (NM_001005476.4, NM_001304969.3, NM_001304971.2 and 6 more transcripts); c.-156G>A (NM_001304970.3); c.865G>A, p.Val289Ile (NM_001377222.1, NM_001377223.1, NM_001377224.1); short protein forms V289I, V291I.
Identifiers: ClinVar variation 3307134 (VCV003307134.1).